The following is an entry in ClinVar:

NM_020166.5(MCCC1):c.497C>T (p.Ser166Phe)

Gene: MCCC1 (methylcrotonyl-CoA carboxylase subunit 1; minus strand). Cytogenetic location: 3q27.1.
Variant type: single nucleotide variant.
Coding change: c.497C>T on transcript NM_020166.5 (MANE Select); coding-DNA position 497, C replaced by T.
Protein change: p.Ser166Phe; replaces serine 166 with phenylalanine.
Molecular consequence: missense variant. On other transcripts: non-coding transcript variant (2).
Genome position (GRCh38, 1-based): chr3:183,071,352, G>A on the plus strand (C>T on the coding strand, the complement: MCCC1 is on the minus strand). VCF-style: chr3-183071352-G-A. GRCh37 (hg19) VCF-style: chr3-182789140-G-A.
Other names: c.146C>T, p.Ser49Phe (NM_001293273.2); c.170C>T, p.Ser57Phe (NM_001363880.1); short protein forms S166F, S49F, S57F.
Identifiers: ClinVar variation 1450892 (VCV001450892.6), dbSNP rs2108526692, ClinGen allele CA355330790.

ClinVar aggregate classification (germline): Uncertain significance (1 of 4 stars; one submission).

Conditions:
3-methylcrotonyl-CoA carboxylase 1 deficiency (MCC1D). Also called: MCCD TYPE 1; MCC 1 deficiency; 3 Alpha methylcrotonylglycinuria 1; METHYLCROTONYLGLYCINURIA TYPE I. Identifiers: Orphanet 6, MedGen CN028786, MONDO:0008861, OMIM 210200.

Submission:

Labcorp Genetics (formerly Invitae), Labcorp
Classification: Uncertain significance for 3-methylcrotonyl-CoA carboxylase 1 deficiency. Last evaluated: 2022-01-18. Review status: criteria provided, single submitter. Criteria: Invitae Variant Classification Sherloc (09022015). Collection method: clinical testing. Allele origin: germline.
Comment: This variant is not present in population databases (gnomAD no frequency). In summary, the available evidence is currently insufficient to determine the role of this variant in disease. Therefore, it has been classified as a Variant of Uncertain Significance. Advanced modeling of protein sequence and biophysical properties (such as structural, functional, and spatial information, amino acid conservation, physicochemical variation, residue mobility, and thermodynamic stability) performed at Invitae indicates that this missense variant is expected to disrupt MCCC1 protein function. This variant has not been reported in the literature in individuals affected with MCCC1-related conditions. This sequence change replaces serine, which is neutral and polar, with phenylalanine, which is neutral and non-polar, at codon 166 of the MCCC1 protein (p.Ser166Phe).